The following is an entry in ClinVar:

ClinVar aggregate classification (germline): Likely benign (0 of 4 stars; one submission).

Conditions:
TUBA8-related disorder. Also called: TUBA8-related condition.

Allele frequency attached by ClinVar (database versions not stated): gnomAD exomes below 0.00001.
gnomAD v4.1: 2 of 1,614,076 alleles (0.00012%); highest among the groups gnomAD compares: Non-Finnish European, 0.00017%; no homozygotes.

Submission:

PreventionGenetics, part of Exact Sciences
Classification: Likely benign for TUBA8-related condition. Last evaluated: 2023-04-26. Review status: no assertion criteria provided. Collection method: clinical testing. Allele origin: germline.
Comment: This variant is classified as likely benign based on ACMG/AMP sequence variant interpretation guidelines (Richards et al. 2015 PMID: 25741868, with internal and published modifications).

NM_018943.3(TUBA8):c.309T>C (p.Tyr103=)

Gene: TUBA8 (tubulin alpha 8; plus strand). Cytogenetic location: 22q11.21.
Variant type: single nucleotide variant.
Coding change: c.309T>C on transcript NM_018943.3 (MANE Select); coding-DNA position 309, T replaced by C.
Protein change: p.Tyr103=; no amino-acid change (tyrosine 103 retained).
Molecular consequence: synonymous variant.
Genome position (GRCh38, 1-based): chr22:18,124,238, T>C. VCF-style: chr22-18124238-T-C. GRCh37 (hg19) VCF-style: chr22-18607005-T-C.
Other names: c.111T>C, p.Tyr37= (NM_001193414.2).
Identifiers: ClinVar variation 3045432 (VCV003045432.2), dbSNP rs2517706266, ClinGen allele CA512914907.
Genomic context (GRCh38, chr22:18,124,238, plus strand): 5'-CCGCCAGCTCTTCCATCCAGAGCAGCTGATCACAGGAAAGGAGGATGCAGCCAACAACTA[T>C]GCCCGGGGCCACTACACGGTGGGCAAGGAGAGCATTGACCTGGTGCTGGACCGCATACGG-3'
Protein context (NP_061816.1, residues 93-113): ITGKEDAANN[Tyr103=]ARGHYTVGKE